The following is an entry in ClinVar:

NM_016333.4(SRRM2):c.5581T>G (p.Trp1861Gly)

Gene: SRRM2 (serine/arginine repetitive matrix 2; plus strand). Cytogenetic location: 16p13.3.
Variant type: single nucleotide variant.
Coding change: c.5581T>G on transcript NM_016333.4 (MANE Select); coding-DNA position 5581, T replaced by G.
Protein change: p.Trp1861Gly; replaces tryptophan 1861 with glycine.
Molecular consequence: missense variant.
Genome position (GRCh38, 1-based): chr16:2,766,109, T>G. VCF-style: chr16-2766109-T-G. GRCh37 (hg19) VCF-style: chr16-2816110-T-G.
Other names: short protein forms W1861G.
Identifiers: ClinVar variation 3362189 (VCV003362189.1).

ClinVar aggregate classification (germline): Uncertain significance (1 of 4 stars; one submission).

Submission:

GeneDx
Classification: Uncertain significance. Last evaluated: 2023-05-30. Review status: criteria provided, single submitter. Criteria: GeneDx Variant Classification Process June 2021. Collection method: clinical testing. Allele origin: germline. Affected: yes.
Comment: Not observed at significant frequency in large population cohorts (gnomAD); In silico analysis supports that this missense variant has a deleterious effect on protein structure/function; Has not been previously published as pathogenic or benign to our knowledge